The following is an entry in ClinVar:

NM_005654.6(NR2F1):c.351C>A (p.Asn117Lys)

Genes: NR2F1 (nuclear receptor subfamily 2 group F member 1; plus strand), NR2F1-AS1 (NR2F1 regulatory antisense RNA 1; minus strand). Cytogenetic location: 5q15.
Variant type: single nucleotide variant.
Coding change: c.351C>A on transcript NM_005654.6 (MANE Select); coding-DNA position 351, C replaced by A.
Protein change: p.Asn117Lys; replaces asparagine 117 with lysine.
Molecular consequence: missense variant.
Genome position (GRCh38, 1-based): chr5:93,585,374, C>A. VCF-style: chr5-93585374-C-A. GRCh37 (hg19) VCF-style: chr5-92921080-C-A.
Other names: short protein forms N117K.
Identifiers: ClinVar variation 1470819 (VCV001470819.6), dbSNP rs1329040695, ClinGen allele CA360526086.

ClinVar aggregate classification (germline): Uncertain significance (1 of 4 stars; one submission).

Submission:

Labcorp Genetics (formerly Invitae), Labcorp
Classification: Uncertain significance. Last evaluated: 2021-12-01. Review status: criteria provided, single submitter. Criteria: Invitae Variant Classification Sherloc (09022015). Collection method: clinical testing. Allele origin: germline.
Comment: This sequence change replaces asparagine, which is neutral and polar, with lysine, which is basic and polar, at codon 117 of the NR2F1 protein (p.Asn117Lys). This variant is not present in population databases (gnomAD no frequency). This variant has not been reported in the literature in individuals affected with NR2F1-related conditions. Advanced modeling of protein sequence and biophysical properties (such as structural, functional, and spatial information, amino acid conservation, physicochemical variation, residue mobility, and thermodynamic stability) performed at Invitae indicates that this missense variant is expected to disrupt NR2F1 protein function. In summary, the available evidence is currently insufficient to determine the role of this variant in disease. Therefore, it has been classified as a Variant of Uncertain Significance.